The following is an entry in ClinVar:

ClinVar aggregate classification (germline): Uncertain significance. Review status: criteria provided, multiple submitters, no conflicts (2 of 4 stars). 2 submissions from 2 submitters: Uncertain significance (2). Last evaluated 2022-08-04.

Conditions:
Medulloblastoma (MDB). Also called: MEDULLOBLASTOMA PREDISPOSITION SYNDROME; Medulloblastoma, somatic. Identifiers: Orphanet 616, MedGen C0025149, MeSH D008527, MONDO:0007959, OMIM 155255, HP:0002885.
Gorlin syndrome. Also called: Nevoid Basal Cell Carcinoma Syndrome; Basal cell nevus syndrome. Identifiers: Orphanet 377, MedGen C0004779, MONDO:0007187.
Hereditary cancer-predisposing syndrome. Also called: Hereditary neoplastic syndrome; Neoplastic Syndromes, Hereditary; Tumor predisposition; Hereditary Cancer Syndrome. Identifiers: Orphanet 140162, MedGen C0027672, MeSH D009386, MONDO:0015356.

Allele frequency attached by ClinVar (database versions not stated): gnomAD exomes 0.00001.
gnomAD v4.1: 7 of 1,605,058 alleles (0.00044%); highest among the groups gnomAD compares: Non-Finnish European, 0.0006%; no homozygotes.

Submissions (2):

Ambry Genetics
Classification: Uncertain significance for Hereditary cancer-predisposing syndrome. Last evaluated: 2022-08-04. Review status: criteria provided, single submitter. Criteria: Ambry Variant Classification Scheme 2023. Collection method: clinical testing. Allele origin: germline.
Comment: The p.A22P variant (also known as c.64G>C), located in coding exon 1 of the SUFU gene, results from a G to C substitution at nucleotide position 64. The alanine at codon 22 is replaced by proline, an amino acid with highly similar properties. This amino acid position is conserved. In addition, the in silico prediction for this alteration is inconclusive. Since supporting evidence is limited at this time, the clinical significance of this alteration remains unclear.

Labcorp Genetics (formerly Invitae), Labcorp
Classification: Uncertain significance for Gorlin syndrome; Medulloblastoma. Last evaluated: 2022-05-21. Review status: criteria provided, single submitter. Criteria: Invitae Variant Classification Sherloc (09022015). Collection method: clinical testing. Allele origin: germline.
Comment: In summary, the available evidence is currently insufficient to determine the role of this variant in disease. Therefore, it has been classified as a Variant of Uncertain Significance. Algorithms developed to predict the effect of missense changes on protein structure and function are either unavailable or do not agree on the potential impact of this missense change (SIFT: "Tolerated"; PolyPhen-2: "Possibly Damaging"; Align-GVGD: "Class C0"). ClinVar contains an entry for this variant (Variation ID: 1045200). This variant has not been reported in the literature in individuals affected with SUFU-related conditions. This variant is present in population databases (no rsID available, gnomAD 0.002%). This sequence change replaces alanine, which is neutral and non-polar, with proline, which is neutral and non-polar, at codon 22 of the SUFU protein (p.Ala22Pro).

NM_016169.4(SUFU):c.64G>C (p.Ala22Pro)

Genes: SUFU (SUFU negative regulator of hedgehog signaling; plus strand), LOC130004614 (ATAC-STARR-seq lymphoblastoid silent region 2764; plus strand). Cytogenetic location: 10q24.32.
Variant type: single nucleotide variant.
Coding change: c.64G>C on transcript NM_016169.4 (MANE Select); coding-DNA position 64, G replaced by C.
Protein change: p.Ala22Pro; replaces alanine 22 with proline.
Molecular consequence: missense variant.
Genome position (GRCh38, 1-based): chr10:102,504,216, G>C. VCF-style: chr10-102504216-G-C. GRCh37 (hg19) VCF-style: chr10-104263973-G-C.
Other names: c.64G>C, p.Ala22Pro (NM_001178133.2); short protein forms A22P.
Identifiers: ClinVar variation 1045200 (VCV001045200.11), dbSNP rs1564654422, ClinGen allele CA377886318.